The following is an entry in ClinVar:

NM_021008.4(DEAF1):c.1462A>C (p.Thr488Pro)

Genes: DEAF1 (DEAF1 transcription factor; minus strand), LOC126861109 (BRD4-independent group 4 enhancer GRCh37_chr11:673917-675116; plus strand). Cytogenetic location: 11p15.5.
Variant type: single nucleotide variant.
Coding change: c.1462A>C on transcript NM_021008.4 (MANE Select); coding-DNA position 1462, A replaced by C.
Protein change: p.Thr488Pro; replaces threonine 488 with proline.
Molecular consequence: missense variant.
Genome position (GRCh38, 1-based): chr11:674,577, T>G on the plus strand (A>C on the coding strand, the complement: DEAF1 is on the minus strand). VCF-style: chr11-674577-T-G. GRCh37 (hg19) VCF-style: chr11-674577-T-G.
Other names: c.1195A>C, p.Thr399Pro (NM_001293634.2); c.736A>C, p.Thr246Pro (NM_001367390.1, NM_001440885.1, NM_001440886.1 and 1 more transcripts); c.1462A>C, p.Thr488Pro (NM_001440883.1); c.1333A>C, p.Thr445Pro (NM_001440884.1); short protein forms T246P, T399P, T445P, T488P.
Identifiers: ClinVar variation 4886620 (VCV004886620.2).
Genomic context (GRCh38, chr11:674,577, plus strand): 5'-CCATTTGTTCCAAGGTTACCTCCTTCCGCTCTGCGTCAGCGTGGATCTTGGCCTGGTTTG[T>G]GGCAGCTTCTCGGTAGGTGCTGGCATGCTTGGCTTGCTCAAACAGCGTCTTCAGCTGCTG-3'
Protein context (NP_066288.2, residues 478-498): KHASTYREAA[Thr488Pro]NQAKIHADAE

ClinVar aggregate classification (germline): Uncertain significance (1 of 4 stars; one submission).

Submission:

Dasa
Classification: Uncertain significance. Last evaluated: 2025-05-30. Review status: criteria provided, single submitter. Criteria: DASA Assertion Criteria. Collection method: clinical testing. Allele origin: germline.
Comment: NM_021008.4(DEAF1):c.1462A>C (p.Thr488Pro) is a missense variant that results in the substitution of threonine with proline. This variant is absent from population databases. Computational prediction algorithms are consistent with a benign effect. The currently available literature and clinical evidence are not sufficient to establish a definitive association between this variant and the reported condition. Therefore, this variant is classified as a variant of uncertain significance.